The following is an entry in ClinVar:

ClinVar aggregate classification (germline): Conflicting classifications of pathogenicity. Review status: criteria provided, conflicting classifications (1 of 4 stars). 2 submissions from 2 submitters: Uncertain significance (1); Likely benign (1). Last evaluated 2025-01-09.

Conditions:
SEMA3B-related disorder. Also called: SEMA3B-related condition.

gnomAD v4.1: 2 of 1,613,706 alleles (0.00012%); highest among the groups gnomAD compares: African/African-American, 0.0013%; no homozygotes.

Submissions (2):

Ambry Genetics
Classification: Uncertain significance. Last evaluated: 2025-01-09. Review status: criteria provided, single submitter. Criteria: Ambry Variant Classification Scheme 2023. Collection method: clinical testing. Allele origin: germline.

PreventionGenetics, part of Exact Sciences
Classification: Likely benign for SEMA3B-related condition. Last evaluated: 2023-05-15. Review status: criteria provided, single submitter. Criteria: ACMG Guidelines, 2015. Collection method: clinical testing. Allele origin: germline.
Comment: This variant is classified as likely benign based on ACMG/AMP sequence variant interpretation guidelines (Richards et al. 2015 PMID: 25741868, with internal and published modifications).

NM_001290060.2(SEMA3B):c.782C>T (p.Ser261Phe)

Gene: SEMA3B (semaphorin 3B; plus strand). Cytogenetic location: 3p21.31.
Variant type: single nucleotide variant.
Coding change: c.782C>T on transcript NM_001290060.2 (MANE Select); coding-DNA position 782, C replaced by T.
Protein change: p.Ser261Phe; replaces serine 261 with phenylalanine.
Molecular consequence: missense variant. On other transcripts: 5 prime UTR variant (1), intron variant (1).
Genome position (GRCh38, 1-based): chr3:50,273,415, C>T. VCF-style: chr3-50273415-C-T. GRCh37 (hg19) VCF-style: chr3-50310846-C-T.
Other names: c.782C>T (NM_004636.2); c.782C>T, p.Ser261Phe (NM_001005914.3, NM_001290061.1, NM_004636.4); c.-245C>T (NM_001290062.2); c.-220+101C>T (NM_001290063.2); short protein forms S261F.
Identifiers: ClinVar variation 3058948 (VCV003058948.2), dbSNP rs921870045, ClinGen allele CA74622443.